The following is an entry in ClinVar:

ClinVar aggregate classification (germline): Uncertain significance (1 of 4 stars; one submission).

gnomAD v4.1: 1 of 1,562,814 alleles (0.000064%); highest among the groups gnomAD compares: Admixed American, 0.0017%; no homozygotes.

Submission:

Ambry Genetics
Classification: Uncertain significance. Last evaluated: 2024-03-02. Review status: criteria provided, single submitter. Criteria: Ambry Variant Classification Scheme 2023. Collection method: clinical testing. Allele origin: germline.
Comment: The p.G2195D variant (also known as c.6584G>A), located in coding exon 22 of the POLQ gene, results from a G to A substitution at nucleotide position 6584. The glycine at codon 2195 is replaced by aspartic acid, an amino acid with similar properties. This amino acid position is conserved. In addition, this alteration is predicted to be tolerated by in silico analysis. Since supporting evidence is limited at this time, the clinical significance of this alteration remains unclear.

NM_199420.4(POLQ):c.6584G>A (p.Gly2195Asp)

Gene: POLQ (DNA polymerase theta; minus strand). Cytogenetic location: 3q13.33.
Variant type: single nucleotide variant.
Coding change: c.6584G>A on transcript NM_199420.4 (MANE Select); coding-DNA position 6584, G replaced by A.
Protein change: p.Gly2195Asp; replaces glycine 2195 with aspartic acid.
Molecular consequence: missense variant.
Genome position (GRCh38, 1-based): chr3:121,472,124, C>T on the plus strand (G>A on the coding strand, the complement: POLQ is on the minus strand). VCF-style: chr3-121472124-C-T. GRCh37 (hg19) VCF-style: chr3-121190971-C-T.
Other names: short protein forms G2195D.
Identifiers: ClinVar variation 1754323 (VCV001754323.2), dbSNP rs1187742104, ClinGen allele CA354085532.
Genomic context (GRCh38, chr3:121,472,124, plus strand): 5'-TGAAGGGGAAAGACCACTTTGGTAATAGCATTAGTGATTCTTCTCCATTCTAATATCAAG[C>T]CTGGTAAAGGATGTAATGCCTTTAATTTATTTAAAACGTCCTGCCAAAAAAATATAAGGT-3'
Protein context (NP_955452.3, residues 2185-2205): NKLKALHPLP[Gly2195Asp]LILEWRRITN